The following is an entry in ClinVar:

ClinVar aggregate classification (germline): Likely benign. Review status: criteria provided, single submitter (1 of 4 stars). 2 submissions from 2 submitters: Likely benign (1). 1 of the submissions does not count toward it. Last evaluated 2024-06-12.

Conditions:
TBX3-related disorder. Also called: TBX3-related condition.
Ulnar-mammary syndrome (UMS). Also called: Ulnar-mammary syndrome of Pallister; PALLISTER ULNAR-MAMMARY SYNDROME; SCHINZEL SYNDROME. Identifiers: Orphanet 3138, MedGen C1866994, MONDO:0008411, OMIM 181450.

gnomAD v4.1: 5 of 1,565,208 alleles (0.00032%); highest among the groups gnomAD compares: Admixed American, 0.0056%; no homozygotes.

Submissions (2):

Labcorp Genetics (formerly Invitae), Labcorp
Classification: Likely benign for Ulnar-mammary syndrome. Last evaluated: 2024-06-12. Review status: criteria provided, single submitter. Criteria: Invitae Variant Classification Sherloc (09022015). Collection method: clinical testing. Allele origin: germline.

PreventionGenetics, part of Exact Sciences
Classification: Likely benign for TBX3-related condition. Last evaluated: 2023-04-25. Review status: no assertion criteria provided. Collection method: clinical testing. Allele origin: germline. Not counted in ClinVar's aggregate classification.
Comment: This variant is classified as likely benign based on ACMG/AMP sequence variant interpretation guidelines (Richards et al. 2015 PMID: 25741868, with internal and published modifications).

NM_005996.4(TBX3):c.1040-4G>A

Gene: TBX3 (T-box transcription factor 3; minus strand). Cytogenetic location: 12q24.21.
Variant type: single nucleotide variant.
Coding change: c.1040-4G>A on transcript NM_005996.4 (MANE Select); 4 bases into the intron before coding-DNA position 1040, G replaced by A.
Molecular consequence: intron variant.
Genome position (GRCh38, 1-based): chr12:114,674,839, C>T on the plus strand (G>A on the coding strand, the complement: TBX3 is on the minus strand). VCF-style: chr12-114674839-C-T. GRCh37 (hg19) VCF-style: chr12-115112644-C-T.
Other names: c.1100-4G>A (NM_016569.4).
Identifiers: ClinVar variation 3033785 (VCV003033785.4), dbSNP rs1027247921, ClinGen allele CA244144088.